The following is an entry in ClinVar:

ClinVar aggregate classification (germline): Conflicting classifications of pathogenicity. Review status: criteria provided, conflicting classifications (1 of 4 stars). 5 submissions from 5 submitters: Uncertain significance (1); Likely benign (3). 1 of the submissions does not count toward it. Last evaluated 2025-12-17.

Conditions:
Donnai-Barrow syndrome. Also called: DBS/FOAR SYNDROME; FACIOOCULOACOUSTICORENAL SYNDROME. Identifiers: Orphanet 2143, MedGen C1857277, MONDO:0009104, OMIM 222448.
LRP2-related disorder. Also called: LRP2-related condition.

Allele frequency attached by ClinVar (database versions not stated): ExAC 0.00003; gnomAD exomes 0.00010 and 0.00026; ESP Exome Variant Server 0.00015; TOPMed 0.00015; gnomAD 0.00016 and 0.00017.
gnomAD v4.1: 427 of 1,614,080 alleles (0.026%); highest among the groups gnomAD compares: Non-Finnish European, 0.033%; no homozygotes.

Submissions (5):

Labcorp Genetics (formerly Invitae), Labcorp
Classification: Likely benign. Last evaluated: 2025-12-17. Review status: criteria provided, single submitter. Criteria: Invitae Variant Classification Sherloc (09022015). Collection method: clinical testing. Allele origin: germline.

Blueprint Genetics
Classification: Likely benign. Last evaluated: 2023-11-22. Review status: criteria provided, single submitter. Criteria: ACMG Guidelines, 2015. Collection method: clinical testing. Allele origin: germline.

Genome-Nilou Lab
Classification: Likely benign for Donnai-Barrow syndrome. Last evaluated: 2021-07-15. Review status: criteria provided, single submitter. Criteria: ACMG Guidelines, 2015. Collection method: clinical testing. Allele origin: germline. Affected: no.

Illumina Laboratory Services, Illumina
Classification: Uncertain significance for Donnai-Barrow syndrome. Last evaluated: 2018-01-13. Review status: criteria provided, single submitter. Criteria: ICSL Variant Classification Criteria 13 December 2019. Collection method: clinical testing. Allele origin: germline.

PreventionGenetics, part of Exact Sciences
Classification: Likely benign for LRP2-related condition. Last evaluated: 2019-07-15. Review status: no assertion criteria provided. Collection method: clinical testing. Allele origin: germline. Not counted in ClinVar's aggregate classification.
Comment: This variant is classified as likely benign based on ACMG/AMP sequence variant interpretation guidelines (Richards et al. 2015 PMID: 25741868, with internal and published modifications).

NM_004525.3(LRP2):c.12687T>C (p.Gly4229=)

Gene: LRP2 (LDL receptor related protein 2; minus strand). Cytogenetic location: 2q31.1.
Variant type: single nucleotide variant.
Coding change: c.12687T>C on transcript NM_004525.3 (MANE Select); coding-DNA position 12687, T replaced by C.
Protein change: p.Gly4229=; no amino-acid change (glycine 4229 retained).
Molecular consequence: synonymous variant.
Genome position (GRCh38, 1-based): chr2:169,146,863, A>G on the plus strand (T>C on the coding strand, the complement: LRP2 is on the minus strand). VCF-style: chr2-169146863-A-G. GRCh37 (hg19) VCF-style: chr2-170003373-A-G.
Identifiers: ClinVar variation 332079 (VCV000332079.21), dbSNP rs140195786, ClinGen allele CA1952751.
Genomic context (GRCh38, chr2:169,146,863, plus strand): 5'-GAAGTCACTCCAGTAGATTCGGTCATTGTTCAAATAATCGATAGAAAGGCCAGTTGGCCA[A>G]CCAAGGTCCTCGAAAACCAGGATGTTGCGGTCCTCTCCATTCATCCAGGCAGACTCGATT-3'
Protein context (NP_004516.2, residues 4219-4239): DRNILVFEDL[Gly4229=]WPTGLSIDYL